The following is an entry in ClinVar:

ClinVar aggregate classification (germline): Uncertain significance. Review status: criteria provided, multiple submitters, no conflicts (2 of 4 stars). 2 submissions from 2 submitters: Uncertain significance (2). Last evaluated 2024-07-29.

Conditions:
Familial hemiplegic migraine. Identifiers: MedGen C0338484, MONDO:0000700.

Allele frequency attached by ClinVar (database versions not stated): gnomAD exomes 0.00001; ExAC 0.00005.
gnomAD v4.1: 10 of 1,605,982 alleles (0.00062%); highest among the groups gnomAD compares: Middle Eastern, 0.017%; no homozygotes.

Submissions (2):

Blueprint Genetics
Classification: Uncertain significance. Last evaluated: 2024-07-29. Review status: criteria provided, single submitter. Criteria: ACMG Guidelines, 2015. Collection method: clinical testing. Allele origin: germline.

Labcorp Genetics (formerly Invitae), Labcorp
Classification: Uncertain significance for Familial hemiplegic migraine. Last evaluated: 2024-03-24. Review status: criteria provided, single submitter. Criteria: Invitae Variant Classification Sherloc (09022015). Collection method: clinical testing. Allele origin: germline.
Comment: This sequence change replaces arginine, which is basic and polar, with tryptophan, which is neutral and slightly polar, at codon 171 of the ATP1A2 protein (p.Arg171Trp). This variant is present in population databases (rs375389965, gnomAD 0.02%). This variant has not been reported in the literature in individuals affected with ATP1A2-related conditions. ClinVar contains an entry for this variant (Variation ID: 2122598). Advanced modeling of protein sequence and biophysical properties (such as structural, functional, and spatial information, amino acid conservation, physicochemical variation, residue mobility, and thermodynamic stability) performed at Invitae indicates that this missense variant is expected to disrupt ATP1A2 protein function with a positive predictive value of 80%. In summary, the available evidence is currently insufficient to determine the role of this variant in disease. Therefore, it has been classified as a Variant of Uncertain Significance.

NM_000702.4(ATP1A2):c.511C>T (p.Arg171Trp)

Genes: ATP1A2 (ATPase Na+/K+ transporting subunit alpha 2; plus strand), LOC126805890 (CDK7 strongly-dependent group 2 enhancer GRCh37_chr1:160093987-160095186; plus strand). Cytogenetic location: 1q23.2.
Variant type: single nucleotide variant.
Coding change: c.511C>T on transcript NM_000702.4 (MANE Select); coding-DNA position 511, C replaced by T.
Protein change: p.Arg171Trp; replaces arginine 171 with tryptophan.
Molecular consequence: missense variant.
Genome position (GRCh38, 1-based): chr1:160,124,311, C>T. VCF-style: chr1-160124311-C-T. GRCh37 (hg19) VCF-style: chr1-160094101-C-T.
Other names: short protein forms R171W.
Identifiers: ClinVar variation 2122598 (VCV002122598.5), dbSNP rs375389965, ClinGen allele CA1194208.